The following is an entry in ClinVar:

ClinVar aggregate classification (germline): Uncertain significance (1 of 4 stars; one submission).

Conditions:
Familial temporal lobe epilepsy 7. Identifiers: Orphanet 101046, MedGen C4225327, MONDO:0014639, OMIM 616436.
Norman-Roberts syndrome (LIS2). Also called: Lissencephaly 2 (Norman-Roberts type). Identifiers: Orphanet 89844, MedGen C0796089, MONDO:0009760, OMIM 257320.

Submission:

Labcorp Genetics (formerly Invitae), Labcorp
Classification: Uncertain significance for Familial temporal lobe epilepsy 7; Norman-Roberts syndrome. Last evaluated: 2020-03-04. Review status: criteria provided, single submitter. Criteria: Invitae Variant Classification Sherloc (09022015). Collection method: clinical testing. Allele origin: germline.
Comment: This sequence change replaces asparagine with tyrosine at codon 1537 of the RELN protein (p.Asn1537Tyr). The asparagine residue is highly conserved and there is a large physicochemical difference between asparagine and tyrosine. This variant is not present in population databases (ExAC no frequency). This variant has not been reported in the literature in individuals with RELN-related disease. Algorithms developed to predict the effect of missense changes on protein structure and function do not agree on the potential impact of this missense change (SIFT: "Deleterious"; PolyPhen-2: "Probably Damaging"; Align-GVGD: "Class C0"). In summary, the available evidence is currently insufficient to determine the role of this variant in disease. Therefore, it has been classified as a Variant of Uncertain Significance.

NM_005045.4(RELN):c.4609A>T (p.Asn1537Tyr)

Gene: RELN (reelin; minus strand). Cytogenetic location: 7q22.1.
Variant type: single nucleotide variant.
Coding change: c.4609A>T on transcript NM_005045.4 (MANE Select); coding-DNA position 4609, A replaced by T.
Protein change: p.Asn1537Tyr; replaces asparagine 1537 with tyrosine.
Molecular consequence: missense variant.
Genome position (GRCh38, 1-based): chr7:103,566,739, T>A on the plus strand (A>T on the coding strand, the complement: RELN is on the minus strand). VCF-style: chr7-103566739-T-A. GRCh37 (hg19) VCF-style: chr7-103207186-T-A.
Other names: c.4609A>T, p.Asn1537Tyr (NM_173054.3); short protein forms N1537Y.
Identifiers: ClinVar variation 542558 (VCV000542558.8), dbSNP rs753346658, ClinGen allele CA368748637.
Genomic context (GRCh38, chr7:103,566,739, plus strand): 5'-GTTCCAGGAAGGACATGAAGTCCAACTCTCGAAGCAAATGCCAGAGTATCCCATTGTCAT[T>A]TGAATACTGAACAATAAGCCCTGAGTTAAAAGACATAAATCCAGTTATTTGGACACTTTC-3'
Protein context (NP_005036.2, residues 1527-1547): RNEGLIVQYS[Asn1537Tyr]DNGILWHLLR